The following is an entry in ClinVar:

NM_015214.3(DDHD2):c.568C>T (p.Arg190Ter)

Gene: DDHD2 (DDHD domain containing 2; plus strand). Cytogenetic location: 8p11.23.
Variant type: single nucleotide variant.
Coding change: c.568C>T on transcript NM_015214.3 (MANE Select); coding-DNA position 568, C replaced by T.
Protein change: p.Arg190Ter; replaces arginine 190 with a stop codon.
Molecular consequence: nonsense. On other transcripts: non-coding transcript variant (2).
Genome position (GRCh38, 1-based): chr8:38,238,155, C>T. VCF-style: chr8-38238155-C-T. GRCh37 (hg19) VCF-style: chr8-38095673-C-T.
Other names: c.568C>T, p.Arg190Ter (NM_001164232.2, NM_001164234.2, NM_001362911.2 and 3 more transcripts); short protein forms R190*.
Identifiers: ClinVar variation 810276 (VCV000810276.50), dbSNP rs377293194, ClinGen allele CA4716016.
Genomic context (GRCh38, chr8:38,238,155, plus strand): 5'-GTGCATTACCAGCCAGTTGCAGGGTCTGATGATTGGGGTTCAACACCCACGGAGCAGGGT[C>T]GACCAAGAACTGTGAAGAGAGGAGTTGAGAACATCTCTGTTGACATTCATTGTGGTAATG-3'

ClinVar aggregate classification (germline): Conflicting classifications of pathogenicity. Review status: criteria provided, conflicting classifications (1 of 4 stars). 3 submissions from 3 submitters: Pathogenic (2); Uncertain significance (1). Last evaluated 2025-04-17.

Conditions:
Hereditary spastic paraplegia 54. Also called: Spastic paraplegia 54, autosomal recessive. Identifiers: Orphanet 320380, MedGen C3539495, MONDO:0014018, OMIM 615033.

Allele frequency attached by ClinVar (database versions not stated): gnomAD 0.00001; gnomAD exomes 0.00001 and 0.00002; ExAC 0.00002; TOPMed 0.00003; ESP Exome Variant Server 0.00008.
gnomAD v4.1: 11 of 1,613,946 alleles (0.00068%); highest among the groups gnomAD compares: Admixed American, 0.01%; no homozygotes.

Submissions (3):

GeneDx
Classification: Pathogenic. Last evaluated: 2025-04-17. Review status: criteria provided, single submitter. Criteria: GeneDx Variant Classification Process June 2021. Collection method: clinical testing. Allele origin: germline. Affected: yes.
Comment: Nonsense variant predicted to result in protein truncation or nonsense mediated decay in a gene for which loss of function is a known mechanism of disease; Has not been previously published as pathogenic or benign to our knowledge

Labcorp Genetics (formerly Invitae), Labcorp
Classification: Pathogenic for Hereditary spastic paraplegia 54. Last evaluated: 2022-07-06. Review status: criteria provided, single submitter. Criteria: Invitae Variant Classification Sherloc (09022015). Collection method: clinical testing. Allele origin: germline.
Comment: For these reasons, this variant has been classified as Pathogenic. Algorithms developed to predict the effect of sequence changes on RNA splicing suggest that this variant may disrupt the consensus splice site. ClinVar contains an entry for this variant (Variation ID: 810276). This variant has not been reported in the literature in individuals affected with DDHD2-related conditions. This variant is present in population databases (rs377293194, gnomAD 0.009%). This sequence change creates a premature translational stop signal (p.Arg190*) in the DDHD2 gene. It is expected to result in an absent or disrupted protein product. Loss-of-function variants in DDHD2 are known to be pathogenic (PMID: 23176823, 23486545).

CeGaT Center for Human Genetics Tuebingen
Classification: Uncertain significance. Last evaluated: 2018-06-01. Review status: criteria provided, single submitter. Criteria: CeGaT Center For Human Genetics Tuebingen Variant Classification Criteria Version 2. Collection method: clinical testing. Allele origin: germline. Affected: yes. Observed: 1 variant allele.

Literature cited by the submitters: PubMed 23176823 (cited by Labcorp Genetics (formerly Invitae), Labcorp); PubMed 23486545 (cited by Labcorp Genetics (formerly Invitae), Labcorp).